The following is an entry in ClinVar:

NM_024041.4(SCNM1):c.263del (p.Asn88fs)

Genes: SCNM1 (sodium channel modifier 1; plus strand), TNFAIP8L2-SCNM1 (TNFAIP8L2-SCNM1 readthrough; plus strand). Cytogenetic location: 1q21.3.
Variant type: Deletion.
Coding change: c.263del on transcript NM_024041.4 (MANE Select); coding-DNA position 263, one base deleted (A; older notation c.263delA).
Protein change: p.Asn88fs; shifts the reading frame from asparagine 88.
Molecular consequence: frameshift variant. On other transcripts: non-coding transcript variant (2).
Genome position (GRCh38, 1-based): chr1:151,167,172, A deleted; the last of 2 consecutive A bases (chr1:151,167,171-151,167,172); deleting either gives the same sequence. VCF-style (leftmost placement, unchanged base first): chr1-151167170-GA-G. GRCh37 (hg19) VCF-style: chr1-151139646-GA-G.
Other names: c.262del (NM_024041.4); c.158del, p.Asn53fs (NM_001204848.2, NM_001204856.2); short protein forms N53fs, N88fs.
Identifiers: ClinVar variation 4857677 (VCV004857677.1).

ClinVar aggregate classification (germline): Likely pathogenic (1 of 4 stars; one submission).

Conditions:
Orofaciodigital syndrome 19. Also called: OROFACIODIGITAL SYNDROME XIX; OFDS XIX; ORAL-FACIAL-DIGITAL SYNDROME, TYPE XIX. Identifiers: MedGen C5774248, MONDO:0859310, OMIM 620107.

Submission:

Kasturba Medical College, Manipal, Kasturba Medical College, Manipal, Manipal Academy of Higher Education, Manipal, India
Classification: Likely pathogenic for Orofaciodigital syndrome 19. Last evaluated: 2026-07-05. Review status: criteria provided, single submitter. Criteria: ACMG Guidelines, 2015. Collection method: research. Allele origin: unknown. Inheritance: Autosomal recessive inheritance. Affected: yes. Observed: 1 variant allele, 1 heterozygote.
Comment: This variant is absent in homozygous and/or heterozygous state in gnomAD (v4.1.0) and in our in-house database of 4303 exomes. This frameshift variant is predicted to lead to a shift in the reading frame which can either lead to nonsense mediated mRNA decay or formation of a truncated protein product.